The following is an entry in ClinVar:

ClinVar aggregate classification (germline): Uncertain significance (1 of 4 stars; one submission).

Conditions:
Neurofibromatosis, type 1 (NF1). Also called: VON RECKLINGHAUSEN DISEASE; Peripheral type neurofibromatosis; Neurofibromatosis, type I; NEUROFIBROMATOSIS, TYPE I, SOMATIC. Identifiers: Orphanet 636, MedGen C0027831, MONDO:0018975, OMIM 162200. Disease mechanism: loss of function.

Submission:

Labcorp Genetics (formerly Invitae), Labcorp
Classification: Uncertain significance for Neurofibromatosis, type 1. Last evaluated: 2024-11-05. Review status: criteria provided, single submitter. Criteria: Invitae Variant Classification Sherloc (09022015). Collection method: clinical testing. Allele origin: germline.
Comment: This sequence change replaces threonine, which is neutral and polar, with arginine, which is basic and polar, at codon 1013 of the NF1 protein (p.Thr1013Arg). This variant is not present in population databases (gnomAD no frequency). This variant has not been reported in the literature in individuals affected with NF1-related conditions. ClinVar contains an entry for this variant (Variation ID: 1384694). Invitae Evidence Modeling of protein sequence and biophysical properties (such as structural, functional, and spatial information, amino acid conservation, physicochemical variation, residue mobility, and thermodynamic stability) indicates that this missense variant is expected to disrupt NF1 protein function with a positive predictive value of 95%. In summary, the available evidence is currently insufficient to determine the role of this variant in disease. Therefore, it has been classified as a Variant of Uncertain Significance.

NM_001042492.3(NF1):c.3038C>G (p.Thr1013Arg)

Gene: NF1 (neurofibromin 1; plus strand). Cytogenetic location: 17q11.2.
Variant type: single nucleotide variant.
Coding change: c.3038C>G on transcript NM_001042492.3 (MANE Select); coding-DNA position 3038, C replaced by G.
Protein change: p.Thr1013Arg; replaces threonine 1013 with arginine.
Molecular consequence: missense variant.
Genome position (GRCh38, 1-based): chr17:31,230,307, C>G. VCF-style: chr17-31230307-C-G. GRCh37 (hg19) VCF-style: chr17-29557325-C-G.
Other names: c.3038C>G, p.Thr1013Arg (NM_000267.4); short protein forms T1013R.
Identifiers: ClinVar variation 1384694 (VCV001384694.6), dbSNP rs786203132, ClinGen allele CA398987341.